The following is an entry in ClinVar:

ClinVar aggregate classification (germline): Likely benign (1 of 4 stars; one submission).

Allele frequency attached by ClinVar (database versions not stated): TOPMed below 0.00001; gnomAD 0.00002.
gnomAD v4.1: 2 of 1,208,240 alleles (0.00017%); highest among the groups gnomAD compares: Non-Finnish European, 0.00022%; no homozygotes.

Submission:

CeGaT Center for Human Genetics Tuebingen
Classification: Likely benign. Last evaluated: 2024-04-01. Review status: criteria provided, single submitter. Criteria: CeGaT Center For Human Genetics Tuebingen Variant Classification Criteria Version 2. Collection method: clinical testing. Allele origin: germline. Affected: yes. Observed: 1 variant allele.
Comment: UPF3B: BP4, BS2

NM_080632.3(UPF3B):c.1008-6A>G

Gene: UPF3B (UPF3B regulator of nonsense mediated mRNA decay; minus strand). Cytogenetic location: Xq24.
Variant type: single nucleotide variant.
Coding change: c.1008-6A>G on transcript NM_080632.3 (MANE Select); 6 bases into the intron before coding-DNA position 1008, A replaced by G.
Molecular consequence: intron variant.
Genome position (GRCh38, 1-based): chrX:119,838,057, T>C on the plus strand (A>G on the coding strand, the complement: UPF3B is on the minus strand). VCF-style: chrX-119838057-T-C. GRCh37 (hg19) VCF-style: chrX-118972020-T-C.
Other names: c.969-6A>G (NM_023010.4).
Identifiers: ClinVar variation 3234270 (VCV003234270.20), dbSNP rs1180872081, ClinGen allele CA870677436.
Genomic context (GRCh38, chrX:119,838,057, plus strand): 5'-TCGTTCATATTCCCGTTCCCTCTCCCTATAGTCTCTGCCGCTCTCATCTTCAGGTCTGCA[T>C]GAAAAACAAATCTGAGACAGAACCCTGAAAGATCTTGTAATCACAAATGCAGGAACACTG-3'